The following is an entry in ClinVar:

NM_152443.3(RDH12):c.68+5G>A

Genes: GPHN (gephyrin; plus strand), RDH12 (retinol dehydrogenase 12; plus strand). Cytogenetic location: 14q24.1.
Variant type: single nucleotide variant.
Coding change: c.68+5G>A on transcript NM_152443.3 (MANE Select); 5 bases into the intron after coding-DNA position 68, G replaced by A.
Molecular consequence: intron variant.
Genome position (GRCh38, 1-based): chr14:67,722,715, G>A. VCF-style: chr14-67722715-G-A. GRCh37 (hg19) VCF-style: chr14-68189432-G-A.
Identifiers: ClinVar variation 1448505 (VCV001448505.6), dbSNP rs2140138156, ClinGen allele CA2573150101.

ClinVar aggregate classification (germline): Uncertain significance (1 of 4 stars; one submission).

Conditions:
Leber congenital amaurosis 13 (LCA13). Identifiers: MedGen C2675186, MONDO:0012990, OMIM 612712.

Submission:

Labcorp Genetics (formerly Invitae), Labcorp
Classification: Uncertain significance for Leber congenital amaurosis 13. Last evaluated: 2021-09-23. Review status: criteria provided, single submitter. Criteria: Invitae Variant Classification Sherloc (09022015). Collection method: clinical testing. Allele origin: germline.
Comment: In summary, the available evidence is currently insufficient to determine the role of this variant in disease. Therefore, it has been classified as a Variant of Uncertain Significance. Variants that disrupt the consensus splice site are a relatively common cause of aberrant splicing (PMID: 17576681, 9536098). Algorithms developed to predict the effect of sequence changes on RNA splicing suggest that this variant may disrupt the consensus splice site. This variant has not been reported in the literature in individuals affected with RDH12-related conditions. This variant is not present in population databases (ExAC no frequency). This sequence change falls in intron 3 of the RDH12 gene. It does not directly change the encoded amino acid sequence of the RDH12 protein. It affects a nucleotide within the consensus splice site of the intron.

Literature cited by the submitters: PubMed 17576681; PubMed 9536098.